The following is an entry in ClinVar:

ClinVar aggregate classification (germline): Likely benign. Review status: criteria provided, multiple submitters, no conflicts (2 of 4 stars). 2 submissions from 2 submitters: Likely benign (2). Last evaluated 2025-09-09.

gnomAD v4.1: 226 of 1,365,550 alleles (0.017%); highest among the groups gnomAD compares: South Asian, 0.058%; 1 homozygote.

Submissions (2):

Mayo Clinic Laboratories, Mayo Clinic
Classification: Likely benign. Last evaluated: 2025-09-09. Review status: criteria provided, single submitter. Criteria: ACMG Guidelines, 2015. Collection method: clinical testing. Allele origin: germline. Observed: 1 variant allele.
Comment: BS2, BP4_moderate

Laboratory of Genetics, Children's Clinical University Hospital Latvia
Classification: Likely benign. Last evaluated: 2025-02-16. Review status: criteria provided, single submitter. Criteria: ACMG Guidelines, 2015. Collection method: clinical testing. Allele origin: germline. Affected: yes.

Literature cited by the submitters: PubMed 20060621 (cited by Mayo Clinic Laboratories, Mayo Clinic).

NM_001103146.3(GIGYF2):c.3626T>C (p.Leu1209Pro)

Gene: GIGYF2 (GRB10 interacting GYF protein 2; plus strand). Cytogenetic location: 2q37.1.
Variant type: single nucleotide variant.
Coding change: c.3626T>C on transcript NM_001103146.3 (MANE Select); coding-DNA position 3626, T replaced by C.
Protein change: p.Leu1209Pro; replaces leucine 1209 with proline.
Molecular consequence: missense variant. On other transcripts: non-coding transcript variant (1).
Genome position (GRCh38, 1-based): chr2:232,847,513, T>C. VCF-style: chr2-232847513-T-C. GRCh37 (hg19) VCF-style: chr2-233712223-T-C.
Other names: p.Leu1209Pro; c.3626T>C (NM_001103146.2); c.3689T>C, p.Leu1230Pro (NM_001103147.2); c.3608T>C, p.Leu1203Pro (NM_001103148.2); c.3626T>C, p.Leu1209Pro (NM_015575.4); short protein forms L1203P, L1209P, L1230P.
Identifiers: ClinVar variation 3910263 (VCV003910263.2).